The following is an entry in ClinVar:

ClinVar aggregate classification (germline): Uncertain significance. Review status: criteria provided, multiple submitters, no conflicts (2 of 4 stars). 2 submissions from 2 submitters: Uncertain significance (2). Last evaluated 2024-05-15.

Conditions:
Congenital myasthenic syndrome 8. Also called: Myasthenic syndrome, congenital, 8, with pre- and postsynaptic defects; MYASTHENIC SYNDROME, CONGENITAL, DUE TO AGRIN DEFICIENCY. Identifiers: Orphanet 590, MedGen C3808739, MONDO:0014052, OMIM 615120.
Inborn genetic diseases. Identifiers: MedGen C0950123, MeSH D030342.

Submissions (2):

Labcorp Genetics (formerly Invitae), Labcorp
Classification: Uncertain significance for Congenital myasthenic syndrome 8. Last evaluated: 2024-05-15. Review status: criteria provided, single submitter. Criteria: Invitae Variant Classification Sherloc (09022015). Collection method: clinical testing. Allele origin: germline.
Comment: This sequence change replaces alanine, which is neutral and non-polar, with valine, which is neutral and non-polar, at codon 171 of the AGRN protein (p.Ala171Val). This variant is not present in population databases (gnomAD no frequency). This variant has not been reported in the literature in individuals affected with AGRN-related conditions. ClinVar contains an entry for this variant (Variation ID: 2608545). Algorithms developed to predict the effect of missense changes on protein structure and function output the following: SIFT: "Not Available"; PolyPhen-2: "Benign"; Align-GVGD: "Not Available". The valine amino acid residue is found in multiple mammalian species, which suggests that this missense change does not adversely affect protein function. In summary, the available evidence is currently insufficient to determine the role of this variant in disease. Therefore, it has been classified as a Variant of Uncertain Significance.

Ambry Genetics
Classification: Uncertain significance for Inborn genetic diseases. Last evaluated: 2023-06-29. Review status: criteria provided, single submitter. Criteria: Ambry Variant Classification Scheme 2023. Collection method: clinical testing. Allele origin: germline.

NM_198576.4(AGRN):c.512C>T (p.Ala171Val)

Gene: AGRN (agrin; plus strand). Cytogenetic location: 1p36.33.
Variant type: single nucleotide variant.
Coding change: c.512C>T on transcript NM_198576.4 (MANE Select); coding-DNA position 512, C replaced by T.
Protein change: p.Ala171Val; replaces alanine 171 with valine.
Molecular consequence: missense variant.
Genome position (GRCh38, 1-based): chr1:1,040,665, C>T. VCF-style: chr1-1040665-C-T. GRCh37 (hg19) VCF-style: chr1-976045-C-T.
Other names: c.512C>T, p.Ala171Val (NM_001305275.2); c.197C>T, p.Ala66Val (NM_001364727.2); short protein forms A66V, A171V.
Identifiers: ClinVar variation 2608545 (VCV002608545.5), dbSNP rs1570189671, ClinGen allele CA337821501.
Genomic context (GRCh38, chr1:1,040,665, plus strand): 5'-GCTTGTGGACGTGGGTACGGGCGTCTCGGCACCCTGAGCTTTCTCCCCTACCCGCCCCAG[C>T]GTGCCGGGGAATGCTGTGCGGCTTCGGCGCCGTGTGCGAGCCCAACGCGGAGGGGCCGGG-3'
Protein context (NP_940978.2, residues 161-181): FTPVPPTPPD[Ala171Val]CRGMLCGFGA